The following is an entry in ClinVar:

ClinVar aggregate classification (germline): Uncertain significance (1 of 4 stars; one submission).

Conditions:
Immunodeficiency 25. Also called: Immunodeficiency due to defect in cd3-zeta, somatic. Identifiers: MedGen C1857798, MONDO:0012426, OMIM 610163.

Allele frequency attached by ClinVar (database versions not stated): gnomAD exomes below 0.00001; TOPMed below 0.00001; ExAC 0.00001; gnomAD 0.00001.
gnomAD v4.1: 3 of 1,613,822 alleles (0.00019%); highest among the groups gnomAD compares: Non-Finnish European, 0.00025%; no homozygotes.

Submission:

Labcorp Genetics (formerly Invitae), Labcorp
Classification: Uncertain significance for Immunodeficiency 25. Last evaluated: 2021-08-26. Review status: criteria provided, single submitter. Criteria: Invitae Variant Classification Sherloc (09022015). Collection method: clinical testing. Allele origin: germline.
Comment: This sequence change replaces lysine with arginine at codon 129 of the CD247 protein (p.Lys129Arg). The lysine residue is highly conserved and there is a small physicochemical difference between lysine and arginine. This variant is present in population databases (rs756340039, ExAC 0.001%). This variant has not been reported in the literature in individuals affected with CD247-related conditions. Algorithms developed to predict the effect of missense changes on protein structure and function (SIFT, PolyPhen-2, Align-GVGD) all suggest that this variant is likely to be disruptive. In summary, the available evidence is currently insufficient to determine the role of this variant in disease. Therefore, it has been classified as a Variant of Uncertain Significance.

NM_198053.3(CD247):c.386A>G (p.Lys129Arg)

Gene: CD247 (CD247 molecule; minus strand). Cytogenetic location: 1q24.2.
Variant type: single nucleotide variant.
Coding change: c.386A>G on transcript NM_198053.3 (MANE Select); coding-DNA position 386, A replaced by G.
Protein change: p.Lys129Arg; replaces lysine 129 with arginine.
Molecular consequence: missense variant.
Genome position (GRCh38, 1-based): chr1:167,434,027, T>C on the plus strand (A>G on the coding strand, the complement: CD247 is on the minus strand). VCF-style: chr1-167434027-T-C. GRCh37 (hg19) VCF-style: chr1-167403264-T-C.
Other names: c.383A>G, p.Lys128Arg (NM_000734.4); c.479A>G, p.Lys160Arg (NM_001378515.1); c.476A>G, p.Lys159Arg (NM_001378516.1); short protein forms K160R, K159R, K128R, K129R.
Identifiers: ClinVar variation 937259 (VCV000937259.4), dbSNP rs756340039, ClinGen allele CA1225924.